The following is an entry in ClinVar:

ClinVar aggregate classification (germline): Uncertain significance (1 of 4 stars; one submission).

Conditions:
Developmental and epileptic encephalopathy, 23 (DEE23). Also called: Epileptic encephalopathy, early infantile, 23. Identifiers: Orphanet 411986, MedGen C4014492, MONDO:0014371, OMIM 615859.

Submission:

Labcorp Genetics (formerly Invitae), Labcorp
Classification: Uncertain significance for Developmental and epileptic encephalopathy, 23. Last evaluated: 2022-01-27. Review status: criteria provided, single submitter. Criteria: Invitae Variant Classification Sherloc (09022015). Collection method: clinical testing. Allele origin: germline.
Comment: Experimental studies and prediction algorithms are not available or were not evaluated, and the functional significance of this variant is currently unknown. In summary, the available evidence is currently insufficient to determine the role of this variant in disease. Therefore, it has been classified as a Variant of Uncertain Significance. This variant has not been reported in the literature in individuals affected with DOCK7-related conditions. This variant results in a copy number gain of the genomic region encompassing exon(s) 1 of the DOCK7 gene. This region includes the initiator codon of the gene. This copy number gain extends beyond the assayed region for this gene and therefore may encompass additional genes. As the precise location of this event is unknown, it may be in tandem or it may be located elsewhere in the genome.

NC_000001.10:g.(?_63153878)_(63153935_?)dup

Gene: DOCK7 (dedicator of cytokinesis 7; minus strand). Cytogenetic location: 1p31.3.
Variant type: Duplication.
Identifiers: ClinVar variation 2424082 (VCV002424082.6).